The following is an entry in ClinVar:

NM_032271.3(TRAF7):c.1364G>A (p.Gly455Asp)

Gene: TRAF7 (TNF receptor associated factor 7; plus strand). Cytogenetic location: 16p13.3.
Variant type: single nucleotide variant.
Coding change: c.1364G>A on transcript NM_032271.3 (MANE Select); coding-DNA position 1364, G replaced by A.
Protein change: p.Gly455Asp; replaces glycine 455 with aspartic acid.
Molecular consequence: missense variant.
Genome position (GRCh38, 1-based): chr16:2,175,128, G>A. VCF-style: chr16-2175128-G-A. GRCh37 (hg19) VCF-style: chr16-2225129-G-A.
Other names: short protein forms G455D.
Identifiers: ClinVar variation 3372053 (VCV003372053.1).

ClinVar aggregate classification (germline): Uncertain significance (1 of 4 stars; one submission).

gnomAD v4.1: 1 of 1,613,838 alleles (0.000062%); highest among the groups gnomAD compares: Non-Finnish European, 0.000085%; no homozygotes.

Submission:

GeneDx
Classification: Uncertain significance. Last evaluated: 2024-04-22. Review status: criteria provided, single submitter. Criteria: GeneDx Variant Classification Process June 2021. Collection method: clinical testing. Allele origin: germline. Affected: yes.
Comment: Not observed at significant frequency in large population cohorts (gnomAD); In silico analysis supports that this missense variant has a deleterious effect on protein structure/function; Has not been previously published as pathogenic or benign to our knowledge